The following is an entry in ClinVar:

NM_004275.5(MED20):c.570G>C (p.Met190Ile)

Gene: MED20 (mediator complex subunit 20; minus strand). Cytogenetic location: 6p21.1.
Variant type: single nucleotide variant.
Coding change: c.570G>C on transcript NM_004275.5 (MANE Select); coding-DNA position 570, G replaced by C.
Protein change: p.Met190Ile; replaces methionine 190 with isoleucine.
Molecular consequence: missense variant. On other transcripts: 3 prime UTR variant (1), non-coding transcript variant (1).
Genome position (GRCh38, 1-based): chr6:41,907,141, C>G on the plus strand (G>C on the coding strand, the complement: MED20 is on the minus strand). VCF-style: chr6-41907141-C-G. GRCh37 (hg19) VCF-style: chr6-41874879-C-G.
Other names: c.384G>C, p.Met128Ile (NM_001305455.2, NM_001305456.2); c.*122G>C (NM_001305457.2); short protein forms M128I, M190I.
Identifiers: ClinVar variation 1415514 (VCV001415514.6), dbSNP rs367867825, ClinGen allele CA3803546.

ClinVar aggregate classification (germline): Uncertain significance (1 of 4 stars; one submission).

Allele frequency attached by ClinVar (database versions not stated): ExAC 0.00001; gnomAD exomes 0.00001; ESP Exome Variant Server 0.00008.

Submission:

Labcorp Genetics (formerly Invitae), Labcorp
Classification: Uncertain significance. Last evaluated: 2025-10-02. Review status: criteria provided, single submitter. Criteria: Invitae Variant Classification Sherloc (09022015). Collection method: clinical testing. Allele origin: germline.
Comment: This sequence change replaces methionine, which is neutral and non-polar, with isoleucine, which is neutral and non-polar, at codon 190 of the MED20 protein (p.Met190Ile). This variant is present in population databases (rs367867825, gnomAD 0.002%). This variant has not been reported in the literature in individuals affected with MED20-related conditions. ClinVar contains an entry for this variant (Variation ID: 1415514). An algorithm developed to predict the effect of missense changes on protein structure and function (PolyPhen-2) suggests that this variant is likely to be tolerated. In summary, the available evidence is currently insufficient to determine the role of this variant in disease. Therefore, it has been classified as a Variant of Uncertain Significance.